The following is an entry in ClinVar:

NM_004082.5(DCTN1):c.3434C>G (p.Ala1145Gly)

Gene: DCTN1 (dynactin subunit 1; minus strand). Cytogenetic location: 2p13.1.
Variant type: single nucleotide variant.
Coding change: c.3434C>G on transcript NM_004082.5 (MANE Select); coding-DNA position 3434, C replaced by G.
Protein change: p.Ala1145Gly; replaces alanine 1145 with glycine.
Molecular consequence: missense variant. On other transcripts: non-coding transcript variant (1).
Genome position (GRCh38, 1-based): chr2:74,363,089, G>C on the plus strand (C>G on the coding strand, the complement: DCTN1 is on the minus strand). VCF-style: chr2-74363089-G-C. GRCh37 (hg19) VCF-style: chr2-74590216-G-C.
Other names: c.3359C>G, p.Ala1120Gly (NM_001135040.3); c.3017C>G, p.Ala1006Gly (NM_001135041.3); c.3308C>G, p.Ala1103Gly (NM_001190836.2); c.3413C>G, p.Ala1138Gly (NM_001190837.2); c.3383C>G, p.Ala1128Gly (NM_001378991.1); c.3365C>G, p.Ala1122Gly (NM_001378992.1); c.3032C>G, p.Ala1011Gly (NM_023019.4); short protein forms A1011G, A1128G, A1138G, A1145G, A1103G, A1006G, A1120G, A1122G.
Identifiers: ClinVar variation 1949764 (VCV001949764.5), dbSNP rs1471553344, ClinGen allele CA347337242.
Genomic context (GRCh38, chr2:74,363,089, plus strand): 5'-TGTGTGCTCAATTGATTCAATGTCTCCAGCAGCTGGCTGGTCTTACGATACAGCGCTCCA[G>C]CTGGTAACTCACTGCCAGGGCCCTCATGGGATAGCTTTGCAACATGCAGAGGGGGCAGGG-3'
Protein context (NP_004073.2, residues 1135-1155): SHEGPGSELP[Ala1145Gly]GALYRKTSQL

ClinVar aggregate classification (germline): Uncertain significance (1 of 4 stars; one submission).

Conditions:
Amyotrophic lateral sclerosis type 1 (ALS1). Also called: AMYOTROPHIC LATERAL SCLEROSIS 1, FAMILIAL. Identifiers: Orphanet 803, MedGen C1862939, MONDO:0007103, OMIM 105400.
Neuronopathy, distal hereditary motor, type 7B. Also called: NEURONOPATHY, DISTAL HEREDITARY MOTOR, AUTOSOMAL DOMINANT 14; NEURONOPATHY, DISTAL HEREDITARY MOTOR, HARDING TYPE VIIB; NEUROPATHY, DISTAL HEREDITARY MOTOR, HARDING TYPE VIIB; NEUROPATHY, DISTAL HEREDITARY MOTOR, WITH VOCAL CORD PARALYSIS, HARDING TYPE VIIB; HMN VIIB; LOWER MOTOR NEURON DISEASE, DYNACTIN TYPE. Identifiers: Orphanet 139589, MedGen C1843315, MONDO:0011879, OMIM 607641.
Perry syndrome. Also called: PARKINSONISM WITH ALVEOLAR HYPOVENTILATION AND MENTAL DEPRESSION. Identifiers: Orphanet 178509, MedGen C1868594, MONDO:0008201, OMIM 168605.

Allele frequency attached by ClinVar (database versions not stated): gnomAD exomes below 0.00001; gnomAD 0.00001; TOPMed 0.00001.
gnomAD v4.1: 3 of 1,613,810 alleles (0.00019%); highest among the groups gnomAD compares: Admixed American, 0.0017%; no homozygotes.

Submission:

Labcorp Genetics (formerly Invitae), Labcorp
Classification: Uncertain significance for Amyotrophic lateral sclerosis type 1; Neuronopathy, distal hereditary motor, type 7B; Perry syndrome. Last evaluated: 2022-05-26. Review status: criteria provided, single submitter. Criteria: Invitae Variant Classification Sherloc (09022015). Collection method: clinical testing. Allele origin: germline.
Comment: In summary, the available evidence is currently insufficient to determine the role of this variant in disease. Therefore, it has been classified as a Variant of Uncertain Significance. Algorithms developed to predict the effect of missense changes on protein structure and function are either unavailable or do not agree on the potential impact of this missense change (SIFT: "Deleterious"; PolyPhen-2: "Benign"; Align-GVGD: "Class C0"). This variant has not been reported in the literature in individuals affected with DCTN1-related conditions. This variant is not present in population databases (gnomAD no frequency). This sequence change replaces alanine, which is neutral and non-polar, with glycine, which is neutral and non-polar, at codon 1145 of the DCTN1 protein (p.Ala1145Gly).